The following is an entry in ClinVar:

NM_133433.4(NIPBL):c.4439T>C (p.Met1480Thr)

Gene: NIPBL (NIPBL cohesin loading factor; plus strand). Cytogenetic location: 5p13.2.
Variant type: single nucleotide variant.
Coding change: c.4439T>C on transcript NM_133433.4 (MANE Select); coding-DNA position 4439, T replaced by C.
Protein change: p.Met1480Thr; replaces methionine 1480 with threonine.
Molecular consequence: missense variant.
Genome position (GRCh38, 1-based): chr5:37,010,104, T>C. VCF-style: chr5-37010104-T-C. GRCh37 (hg19) VCF-style: chr5-37010206-T-C.
Other names: c.4439T>C, p.Met1480Thr (NM_001438586.1, NM_015384.5); short protein forms M1480T.
Identifiers: ClinVar variation 4705678 (VCV004705678.1).

ClinVar aggregate classification (germline): Uncertain significance (1 of 4 stars; one submission).

Conditions:
Cornelia de Lange syndrome 1 (CDLS1). Also called: TYPUS DEGENERATIVUS AMSTELODAMENSIS; NIPBL-Related Cornelia de Lange Syndrome; Brachmann de Lange syndrome. Identifiers: Orphanet 199, MedGen C4551851, MONDO:0007387, OMIM 122470.

Submission:

Labcorp Genetics (formerly Invitae), Labcorp
Classification: Uncertain significance for Cornelia de Lange syndrome 1. Last evaluated: 2025-04-26. Review status: criteria provided, single submitter. Criteria: Invitae Variant Classification Sherloc (09022015). Collection method: clinical testing. Allele origin: germline.
Comment: This sequence change replaces methionine, which is neutral and non-polar, with threonine, which is neutral and polar, at codon 1480 of the NIPBL protein (p.Met1480Thr). This variant is not present in population databases (gnomAD no frequency). This variant has not been reported in the literature in individuals affected with NIPBL-related conditions. Invitae Evidence Modeling of protein sequence and biophysical properties (such as structural, functional, and spatial information, amino acid conservation, physicochemical variation, residue mobility, and thermodynamic stability) indicates that this missense variant is not expected to disrupt NIPBL protein function with a negative predictive value of 95%. In summary, the available evidence is currently insufficient to determine the role of this variant in disease. Therefore, it has been classified as a Variant of Uncertain Significance.